The following is an entry in ClinVar:

ClinVar aggregate classification (germline): Uncertain significance. Review status: criteria provided, multiple submitters, no conflicts (2 of 4 stars). 3 submissions from 3 submitters: Uncertain significance (3). Last evaluated 2025-05-26.

Conditions:
Cardiovascular phenotype. Identifiers: MedGen CN230736.
Cardiomyopathy (CMYO). Also called: Cardiomyopathies. Identifiers: Orphanet 167848, MedGen C0878544, MONDO:0004994, HP:0001638. Inheritance: Various modes of inheritance.
Arrhythmogenic cardiomyopathy with wooly hair and keratoderma. Also called: PALMOPLANTAR KERATODERMA WITH LEFT VENTRICULAR CARDIOMYOPATHY AND WOOLLY HAIR; Carvajal syndrome; Dilated cardiomyopathy with woolly hair and keratoderma; Arrhythmogenic cardiomyopathy with woolly hair and keratoderma. Identifiers: Orphanet 65282, MedGen C1854063, MONDO:0011581, OMIM 605676.

Allele frequency attached by ClinVar (database versions not stated): gnomAD exomes below 0.00001.
gnomAD v4.1: 1 of 1,613,816 alleles (0.000062%); highest among the groups gnomAD compares: Non-Finnish European, 0.000085%; no homozygotes.

Submissions (3):

Color Diagnostics, LLC DBA Color Health
Classification: Uncertain significance for Cardiomyopathy. Last evaluated: 2025-05-26. Review status: criteria provided, single submitter. Criteria: ACMG Guidelines, 2015. Collection method: clinical testing. Allele origin: germline.
Comment: This missense variant replaces tyrosine with asparagine at codon 1731 of the DSP protein. Computational prediction suggests that this variant may not impact protein structure and function. To our knowledge, functional studies have not been reported for this variant. This variant has not been reported in individuals affected with DSP-related disorders in the literature. This variant has not been identified in the general population by the Genome Aggregation Database (gnomAD). The available evidence is insufficient to determine the role of this variant in disease conclusively. Therefore, this variant is classified as a Variant of Uncertain Significance.

All of Us Research Program, National Institutes of Health
Classification: Uncertain significance for Arrhythmogenic cardiomyopathy with wooly hair and keratoderma. Last evaluated: 2023-12-01. Review status: criteria provided, single submitter. Criteria: ACMG Guidelines, 2015. Collection method: clinical testing. Allele origin: germline. Inheritance: Autosomal dominant inheritance. Observed: 1 variant allele, 1 heterozygote.
Comment: This study involves interpretation of variants in research participants for the purpose of population health screening. Participant phenotype was not available at the time of variant classification. Additional details can be found in publication PMID: 35346344, PMCID: PMC8962531

Ambry Genetics
Classification: Uncertain significance for Cardiovascular phenotype. Last evaluated: 2022-07-08. Review status: criteria provided, single submitter. Criteria: Ambry Variant Classification Scheme 2023. Collection method: clinical testing. Allele origin: germline.
Comment: The p.Y1731N variant (also known as c.5191T>A), located in coding exon 23 of the DSP gene, results from a T to A substitution at nucleotide position 5191. The tyrosine at codon 1731 is replaced by asparagine, an amino acid with dissimilar properties. This amino acid position is conserved. In addition, the in silico prediction for this alteration is inconclusive. Since supporting evidence is limited at this time, the clinical significance of this alteration remains unclear.

NM_004415.4(DSP):c.5191T>A (p.Tyr1731Asn)

Gene: DSP (desmoplakin; plus strand). Cytogenetic location: 6p24.3.
Variant type: single nucleotide variant.
Coding change: c.5191T>A on transcript NM_004415.4 (MANE Select); coding-DNA position 5191, T replaced by A.
Protein change: p.Tyr1731Asn; replaces tyrosine 1731 with asparagine.
Molecular consequence: missense variant. On other transcripts: intron variant (2).
Genome position (GRCh38, 1-based): chr6:7,581,381, T>A. VCF-style: chr6-7581381-T-A. GRCh37 (hg19) VCF-style: chr6-7581614-T-A.
Other names: c.4050+1141T>A (NM_001319034.2); c.3583-1261T>A (NM_001008844.3); short protein forms Y1731N.
Identifiers: ClinVar variation 1745922 (VCV001745922.4), dbSNP rs1334607687, ClinGen allele CA362688052.
Genomic context (GRCh38, chr6:7,581,381, plus strand): 5'-GAGAACCTGACCAAGGAGCACTTGATGTTAGAAGAAGAACTGCGGAACCTGAGGCTGGAG[T>A]ACGATGACCTGAGGAGAGGACGAAGCGAAGCGGACAGTGATAAAAATGCAACCATCTTGG-3'
Protein context (NP_004406.2, residues 1721-1741): EEELRNLRLE[Tyr1731Asn]DDLRRGRSEA